The following is an entry in ClinVar:

ClinVar aggregate classification (germline): Likely benign. Review status: criteria provided, multiple submitters, no conflicts (2 of 4 stars). 2 submissions from 2 submitters: Likely benign (2). Last evaluated 2018-06-14.

Allele frequency attached by ClinVar (database versions not stated): 1000 Genomes Project 30x 0.02889; 1000 Genomes Project 0.02995; gnomAD 0.03047 and 0.03058; TOPMed 0.03209.
gnomAD v4.1: 4,643 of 152,266 alleles (3%); highest among the groups gnomAD compares: East Asian, 8.1%; 96 homozygotes.

Submissions (2):

GeneDx
Classification: Likely benign. Last evaluated: 2018-06-14. Review status: criteria provided, single submitter. Criteria: GeneDx Variant Classification (06012015). Collection method: clinical testing. Allele origin: germline. Affected: yes.
Comment: This variant is considered likely benign or benign based on one or more of the following criteria: it is a conservative change, it occurs at a poorly conserved position in the protein, it is predicted to be benign by multiple in silico algorithms, and/or has population frequency not consistent with disease.

Breakthrough Genomics
Classification: Likely benign. Review status: criteria provided, single submitter. Criteria: ACMG Guidelines, 2015. Collection method: not provided. Allele origin: germline. Inheritance: Autosomal dominant inheritance. Affected: yes.

NM_003238.6(TGFB2):c.346+198T>G

Gene: TGFB2 (transforming growth factor beta 2; plus strand). Cytogenetic location: 1q41.
Variant type: single nucleotide variant.
Coding change: c.346+198T>G on transcript NM_003238.6 (MANE Select); 198 bases into the intron after coding-DNA position 346, T replaced by G.
Molecular consequence: intron variant.
Genome position (GRCh38, 1-based): chr1:218,347,245, T>G. VCF-style: chr1-218347245-T-G. GRCh37 (hg19) VCF-style: chr1-218520587-T-G.
Other names: c.346+198T>G (NM_001135599.4).
Identifiers: ClinVar variation 675265 (VCV000675265.2), dbSNP rs1106569, ClinGen allele CA37544951.
Genomic context (GRCh38, chr1:218,347,245, plus strand): 5'-CCACCTCCTTTTCAGTTGTATGCTTGAGGCCATCAGGCTTTAAAATGTTTACTTTCTACT[T>G]TATTTTCTCCATCTTTCCCTTCCCCCTAACAATTCGGTGCTTTAAAAGGCGTTATTCTCT-3'